The following is an entry in ClinVar:

ClinVar aggregate classification (germline): Uncertain significance (1 of 4 stars; one submission).

Submission:

Labcorp Genetics (formerly Invitae), Labcorp
Classification: Uncertain significance. Last evaluated: 2022-05-13. Review status: criteria provided, single submitter. Criteria: Invitae Variant Classification Sherloc (09022015). Collection method: clinical testing. Allele origin: germline.
Comment: This variant has not been reported in the literature in individuals affected with SAR1B-related conditions. In summary, the available evidence is currently insufficient to determine the role of this variant in disease. Therefore, it has been classified as a Variant of Uncertain Significance. Algorithms developed to predict the effect of missense changes on protein structure and function (SIFT, PolyPhen-2, Align-GVGD) all suggest that this variant is likely to be tolerated. This variant is not present in population databases (gnomAD no frequency). This sequence change replaces alanine, which is neutral and non-polar, with serine, which is neutral and polar, at codon 194 of the SAR1B protein (p.Ala194Ser).

NM_016103.4(SAR1B):c.580G>T (p.Ala194Ser)

Gene: SAR1B (secretion associated Ras related GTPase 1B; minus strand). Cytogenetic location: 5q31.1.
Variant type: single nucleotide variant.
Coding change: c.580G>T on transcript NM_016103.4 (MANE Select); coding-DNA position 580, G replaced by T.
Protein change: p.Ala194Ser; replaces alanine 194 with serine.
Molecular consequence: missense variant.
Genome position (GRCh38, 1-based): chr5:134,606,967, C>A on the plus strand (G>T on the coding strand, the complement: SAR1B is on the minus strand). VCF-style: chr5-134606967-C-A. GRCh37 (hg19) VCF-style: chr5-133942657-C-A.
Other names: c.580G>T, p.Ala194Ser (NM_001033503.3); short protein forms A194S.
Identifiers: ClinVar variation 1993966 (VCV001993966.4), dbSNP rs2484102282, ClinGen allele CA360999390.